The following is an entry in ClinVar:

NM_170784.3(MKKS):c.1445C>A (p.Ala482Glu)

Gene: MKKS (MKKS centrosomal shuttling protein; minus strand). Cytogenetic location: 20p12.2.
Variant type: single nucleotide variant.
Coding change: c.1445C>A on transcript NM_170784.3 (MANE Select); coding-DNA position 1445, C replaced by A.
Protein change: p.Ala482Glu; replaces alanine 482 with glutamic acid.
Molecular consequence: missense variant. On other transcripts: non-coding transcript variant (1).
Genome position (GRCh38, 1-based): chr20:10,405,515, G>T on the plus strand (C>A on the coding strand, the complement: MKKS is on the minus strand). VCF-style: chr20-10405515-G-T. GRCh37 (hg19) VCF-style: chr20-10386163-G-T.
Other names: c.1445C>A, p.Ala482Glu (NM_018848.3); short protein forms A482E.
Identifiers: ClinVar variation 2092202 (VCV002092202.4), dbSNP rs939398496, ClinGen allele CA311318742.

ClinVar aggregate classification (germline): Uncertain significance (1 of 4 stars; one submission).

Conditions:
McKusick-Kaufman syndrome (MKKS). Also called: HYDROMETROCOLPOS SYNDROME; HYDROMETROCOLPOS, POSTAXIAL POLYDACTYLY, AND CONGENITAL HEART MALFORMATION. Identifiers: Orphanet 2473, MedGen C0948368, MONDO:0009367, OMIM 236700.
Bardet-Biedl syndrome (BBS). Identifiers: Orphanet 110, MedGen C0752166, MONDO:0015229.

Allele frequency attached by ClinVar (database versions not stated): gnomAD 0.00001; gnomAD exomes 0.00001.
gnomAD v4.1: 6 of 1,614,070 alleles (0.00037%); highest among the groups gnomAD compares: Non-Finnish European, 0.00051%; no homozygotes.

Submission:

Labcorp Genetics (formerly Invitae), Labcorp
Classification: Uncertain significance for McKusick-Kaufman syndrome; Bardet-Biedl syndrome. Last evaluated: 2022-02-02. Review status: criteria provided, single submitter. Criteria: Invitae Variant Classification Sherloc (09022015). Collection method: clinical testing. Allele origin: germline.
Comment: Algorithms developed to predict the effect of missense changes on protein structure and function are either unavailable or do not agree on the potential impact of this missense change (SIFT: "Deleterious"; PolyPhen-2: "Possibly Damaging"; Align-GVGD: "Class C0"). This variant has not been reported in the literature in individuals affected with MKKS-related conditions. This variant is present in population databases (no rsID available, gnomAD 0.002%). This sequence change replaces alanine, which is neutral and non-polar, with glutamic acid, which is acidic and polar, at codon 482 of the MKKS protein (p.Ala482Glu). In summary, the available evidence is currently insufficient to determine the role of this variant in disease. Therefore, it has been classified as a Variant of Uncertain Significance.